The following is an entry in ClinVar:

NM_206933.4(USH2A):c.10388-17_10388-7del

Gene: USH2A (usherin; minus strand). Cytogenetic location: 1q41.
Variant type: Deletion.
Coding change: c.10388-17_10388-7del on transcript NM_206933.4 (MANE Select); 17 bases into the intron before coding-DNA position 10388 through 7 bases into the intron before coding-DNA position 10388, 11 bases deleted (ATTTTTTCTCT).
Molecular consequence: intron variant.
Genome position (GRCh38, 1-based): chr1:215,782,942-215,782,952, AGAGAAAAAAT deleted on the plus strand (ATTTTTTCTCT on the coding strand, the reverse complement: USH2A is on the minus strand); deleting any 11 consecutive bases within chr1:215,782,942-215,782,955 gives the same sequence; the c. name uses the placement nearest the transcript's 3' end. VCF-style (leftmost placement, unchanged base first): chr1-215782941-AAGAGAAAAAAT-A. GRCh37 (hg19) VCF-style: chr1-215956283-AAGAGAAAAAAT-A.
Other names: c.10388-17_10388-7del11 (NM_206933.2).
Identifiers: ClinVar variation 596149 (VCV000596149.15), dbSNP rs1442627890, ClinGen allele CA528711811.

ClinVar aggregate classification (germline): Conflicting classifications of pathogenicity. Review status: criteria provided, conflicting classifications (1 of 4 stars). 3 submissions from 3 submitters: Uncertain significance (1); Likely benign (2). Last evaluated 2026-05-16.

Conditions:
USH2A-related disorder. Also called: USH2A-related condition; USH2A-related disorders. Identifiers: MedGen CN239332.

Submissions (3):

PreventionGenetics, part of Exact Sciences
Classification: Likely benign for USH2A-related condition. Last evaluated: 2026-05-16. Review status: criteria provided, single submitter. Criteria: ACMG Guidelines, 2015. Collection method: clinical testing. Allele origin: germline.
Comment: This variant is classified as likely benign based on ACMG/AMP sequence variant interpretation guidelines (Richards et al. 2015 PMID: 25741868, with internal and published modifications).

Labcorp Genetics (formerly Invitae), Labcorp
Classification: Likely benign. Last evaluated: 2023-11-09. Review status: criteria provided, single submitter. Criteria: Invitae Variant Classification Sherloc (09022015). Collection method: clinical testing. Allele origin: germline.

Eurofins Ntd Llc (ga)
Classification: Uncertain significance. Last evaluated: 2018-02-20. Review status: criteria provided, single submitter. Criteria: EGL ClinVar v180209 classification definitions. Collection method: clinical testing. Allele origin: germline. Observed: 1 variant allele, 1 heterozygote.